The following is an entry in ClinVar:

NM_001291303.3(FAT4):c.8963G>C (p.Ser2988Thr)

Gene: FAT4 (FAT atypical cadherin 4; plus strand). Cytogenetic location: 4q28.1.
Variant type: single nucleotide variant.
Coding change: c.8963G>C on transcript NM_001291303.3 (MANE Select); coding-DNA position 8963, G replaced by C.
Protein change: p.Ser2988Thr; replaces serine 2988 with threonine.
Molecular consequence: missense variant.
Genome position (GRCh38, 1-based): chr4:125,449,973, G>C. VCF-style: chr4-125449973-G-C. GRCh37 (hg19) VCF-style: chr4-126371128-G-C.
Other names: c.8963G>C, p.Ser2988Thr (NM_001291285.3); c.8957G>C, p.Ser2986Thr (NM_024582.6); short protein forms S2986T, S2988T.
Identifiers: ClinVar variation 2497888 (VCV002497888.2), dbSNP rs576108620, ClinGen allele CA3073449.

ClinVar aggregate classification (germline): Uncertain significance. Review status: criteria provided, multiple submitters, no conflicts (2 of 4 stars). 2 submissions from 2 submitters: Uncertain significance (2). Last evaluated 2025-11-03.

Allele frequency attached by ClinVar (database versions not stated): gnomAD exomes 0.00001; ExAC 0.00002; TOPMed 0.00006; gnomAD 0.00008; 1000 Genomes Project 30x 0.00016; 1000 Genomes Project 0.00020.
gnomAD v4.1: 19 of 1,613,758 alleles (0.0012%); highest among the groups gnomAD compares: African/African-American, 0.024%; no homozygotes.

Submissions (2):

Labcorp Genetics (formerly Invitae), Labcorp
Classification: Uncertain significance. Last evaluated: 2025-11-03. Review status: criteria provided, single submitter. Criteria: Invitae Variant Classification Sherloc (09022015). Collection method: clinical testing. Allele origin: germline.
Comment: This sequence change replaces serine, which is neutral and polar, with threonine, which is neutral and polar, at codon 2986 of the FAT4 protein (p.Ser2986Thr). This variant is present in population databases (rs576108620, gnomAD 0.04%). This variant has not been reported in the literature in individuals affected with FAT4-related conditions. ClinVar contains an entry for this variant (Variation ID: 2497888). Invitae Evidence Modeling of protein sequence and biophysical properties (such as structural, functional, and spatial information, amino acid conservation, physicochemical variation, residue mobility, and thermodynamic stability) indicates that this missense variant is not expected to disrupt FAT4 protein function with a negative predictive value of 80%. In summary, the available evidence is currently insufficient to determine the role of this variant in disease. Therefore, it has been classified as a Variant of Uncertain Significance.

GeneDx
Classification: Uncertain significance. Last evaluated: 2023-04-06. Review status: criteria provided, single submitter. Criteria: GeneDx Variant Classification Process June 2021. Collection method: clinical testing. Allele origin: germline. Affected: yes.
Comment: In silico analysis supports that this missense variant does not alter protein structure/function; Has not been previously published as pathogenic or benign to our knowledge